The following is an entry in ClinVar:

NM_001378778.1(MPDZ):c.2482-2A>C

Gene: MPDZ (multiple PDZ domain crumbs cell polarity complex component; minus strand). Cytogenetic location: 9p23.
Variant type: single nucleotide variant.
Coding change: c.2482-2A>C on transcript NM_001378778.1 (MANE Select); the canonical splice acceptor site of the intron before coding-DNA position 2482, A replaced by C.
Molecular consequence: splice acceptor variant.
Genome position (GRCh38, 1-based): chr9:13,183,587, T>G on the plus strand (A>C on the coding strand, the complement: MPDZ is on the minus strand). VCF-style: chr9-13183587-T-G. GRCh37 (hg19) VCF-style: chr9-13183586-T-G.
Other names: c.2482-2A>C (NM_001375425.1, NM_001375420.1, NM_001375419.1 and 14 more transcripts).
Identifiers: ClinVar variation 1473399 (VCV001473399.8), dbSNP rs1252684619, ClinGen allele CA372935918.

ClinVar aggregate classification (germline): Likely pathogenic (1 of 4 stars; one submission).

Submission:

Labcorp Genetics (formerly Invitae), Labcorp
Classification: Likely pathogenic. Last evaluated: 2021-05-10. Review status: criteria provided, single submitter. Criteria: Invitae Variant Classification Sherloc (09022015). Collection method: clinical testing. Allele origin: germline.
Comment: This sequence change affects an acceptor splice site in intron 18 of the MPDZ gene. It is expected to disrupt RNA splicing. Variants that disrupt the donor or acceptor splice site typically lead to a loss of protein function (PMID: 16199547), and loss-of-function variants in MPDZ are known to be pathogenic (PMID: 23240096, 28556411). This variant is not present in population databases (ExAC no frequency). This variant has not been reported in the literature in individuals with MPDZ-related conditions. Algorithms developed to predict the effect of sequence changes on RNA splicing suggest that this variant may disrupt the consensus splice site, but this prediction has not been confirmed by published transcriptional studies. In summary, the currently available evidence indicates that the variant is pathogenic, but additional data are needed to prove that conclusively. Therefore, this variant has been classified as Likely Pathogenic.

Literature cited by the submitters: PubMed 16199547; PubMed 23240096; PubMed 28556411.